The following is an entry in ClinVar:

ClinVar aggregate classification (germline): Uncertain significance. Review status: criteria provided, single submitter (1 of 4 stars). 2 submissions from 2 submitters: Uncertain significance (1). 1 of the submissions does not count toward it. Last evaluated 2024-06-25.

Conditions:
DNMT3A-related disorder. Also called: DNMT3A-related condition; DNMT3A-related disorders.
Tatton-Brown-Rahman overgrowth syndrome. Also called: Tall stature-intellectual disability-facial dysmorphism syndrome; Tatton-Brown-Rahman syndrome. Identifiers: Orphanet 404443, MedGen C4014545, MONDO:0014382, OMIM 615879.

Submissions (2):

Labcorp Genetics (formerly Invitae), Labcorp
Classification: Uncertain significance for Tatton-Brown-Rahman overgrowth syndrome. Last evaluated: 2024-06-25. Review status: criteria provided, single submitter. Criteria: Invitae Variant Classification Sherloc (09022015). Collection method: clinical testing. Allele origin: germline.
Comment: This sequence change replaces asparagine, which is neutral and polar, with isoleucine, which is neutral and non-polar, at codon 501 of the DNMT3A protein (p.Asn501Ile). This variant is not present in population databases (gnomAD no frequency). This variant has not been reported in the literature in individuals affected with DNMT3A-related conditions. Advanced modeling of protein sequence and biophysical properties (such as structural, functional, and spatial information, amino acid conservation, physicochemical variation, residue mobility, and thermodynamic stability) performed at Invitae indicates that this missense variant is not expected to disrupt DNMT3A protein function with a negative predictive value of 80%. In summary, the available evidence is currently insufficient to determine the role of this variant in disease. Therefore, it has been classified as a Variant of Uncertain Significance.

PreventionGenetics, part of Exact Sciences
Classification: Uncertain significance for DNMT3A-related condition. Last evaluated: 2024-09-14. Review status: no assertion criteria provided. Collection method: clinical testing. Allele origin: germline. Not counted in ClinVar's aggregate classification.
Comment: The DNMT3A c.1502A>T variant is predicted to result in the amino acid substitution p.Asn501Ile. To our knowledge, this variant has not been reported in the literature or in a large population database, indicating this variant is rare. At this time, the clinical significance of this variant is uncertain due to the absence of conclusive functional and genetic evidence.

NM_022552.5(DNMT3A):c.1502A>T (p.Asn501Ile)

Gene: DNMT3A (DNA methyltransferase 3 alpha; minus strand). Cytogenetic location: 2p23.3.
Variant type: single nucleotide variant.
Coding change: c.1502A>T on transcript NM_022552.5 (MANE Select); coding-DNA position 1502, A replaced by T.
Protein change: p.Asn501Ile; replaces asparagine 501 with isoleucine.
Molecular consequence: missense variant. On other transcripts: non-coding transcript variant (1).
Genome position (GRCh38, 1-based): chr2:25,245,305, T>A on the plus strand (A>T on the coding strand, the complement: DNMT3A is on the minus strand). VCF-style: chr2-25245305-T-A. GRCh37 (hg19) VCF-style: chr2-25468174-T-A.
Other names: c.1046A>T, p.Asn349Ile (NM_001320893.1); c.833A>T, p.Asn278Ile (NM_001375819.1); c.935A>T, p.Asn312Ile (NM_153759.3); c.1502A>T, p.Asn501Ile (NM_175629.2); short protein forms N278I, N312I, N349I, N501I.
Identifiers: ClinVar variation 3346969 (VCV003346969.3).